The following is an entry in ClinVar:

ClinVar aggregate classification (germline): Pathogenic/Likely pathogenic. Review status: criteria provided, multiple submitters, no conflicts (2 of 4 stars). 9 submissions from 8 submitters: Pathogenic (1); Likely pathogenic (8). Last evaluated 2026-09-22.

Conditions:
ABCA4-related disorder. Also called: ABCA4-related condition; ABCA4-related disorders. Identifiers: MedGen CN239167.
Severe early-childhood-onset retinal dystrophy (STGD1). Also called: Stargardt macular dystrophy; Juvenile onset macular degeneration; Stargardt disease 1; STGD; MACULAR DYSTROPHY WITH FLECKS, TYPE 1. Identifiers: Orphanet 364055, Orphanet 827, MedGen C1855465, MeSH D000080362, MONDO:0009549, OMIM 248200.
Age related macular degeneration 2. Also called: MACULAR DEGENERATION, SENILE; MACULOPATHY, AGE-RELATED, 2; MACULOPATHY, AGE-RELATED. Identifiers: MedGen C3495438, MONDO:0007932, OMIM 153800.
Cone-rod dystrophy 3 (CORD3). Identifiers: Orphanet 1872, MedGen C1858806, MONDO:0011395, OMIM 604116.
Retinitis pigmentosa 19 (RP19). Also called: ABCA4-Related Retinitis Pigmentosa. Identifiers: Orphanet 791, MedGen C1866422, MONDO:0011137, OMIM 601718.
Retinal dystrophy. Also called: Inherited retinal dystrophy. Identifiers: Orphanet 71862, MedGen C0854723, MeSH D058499, MONDO:0019118, HP:0000556.

Allele frequency attached by ClinVar (database versions not stated): gnomAD 0.00009 and 0.00007; gnomAD exomes 0.00009 and 0.00008; ESP Exome Variant Server 0.00015; 1000 Genomes Project 30x 0.00016; 1000 Genomes Project 0.00020; ExAC 0.00008; TOPMed 0.00008.
gnomAD v4.1: 125 of 1,614,086 alleles (0.0077%); highest among the groups gnomAD compares: East Asian, 0.02%; no homozygotes.

Submissions (9):

PreventionGenetics, part of Exact Sciences
Classification: Likely pathogenic for ABCA4-related condition. Last evaluated: 2026-09-22. Review status: criteria provided, single submitter. Criteria: ACMG Guidelines, 2015. Collection method: clinical testing. Allele origin: germline.
Comment: The ABCA4 c.5881G>A variant is predicted to result in the amino acid substitution p.Gly1961Arg. This variant has been reported in the homozygous state or with a second ABCA4 variant in individuals with ABCA4-related retinal disease (see for examples: Table S1, Cideciyan et al. 2008. PubMed ID: 19074458; Riveiro-Alvarez et al. 2013. PubMed ID: 23755871; Darbari et al. 2022. PubMed ID: 35194496; Table S1, Lin et al. 2024. PubMed ID: 38219857). Alternate substitutions of this amino acid (p.Gly1961Ala and p.Gly1961Glu) have also been reported in individuals with retinal disease (Fritsche et al. 2012. PubMed ID: 22427542; Table S1, Lin et al. 2024. PubMed ID: 38219857). This variant is present in 0.025% of alleles in individuals of East Asian descent in gnomAD. This variant is interpreted as likely pathogenic.

Labcorp Genetics (formerly Invitae), Labcorp
Classification: Pathogenic. Last evaluated: 2025-11-12. Review status: criteria provided, single submitter. Criteria: Invitae Variant Classification Sherloc (09022015). Collection method: clinical testing. Allele origin: germline.
Comment: This sequence change replaces glycine, which is neutral and non-polar, with arginine, which is basic and polar, at codon 1961 of the ABCA4 protein (p.Gly1961Arg). This variant is present in population databases (rs142253670, gnomAD 0.02%). This missense change has been observed in individual(s) with autosomal recessive Stargardt disease (PMID: 19074458, 23755871, 26780318, 28118664). In at least one individual the data is consistent with being in trans (on the opposite chromosome) from a pathogenic variant. ClinVar contains an entry for this variant (Variation ID: 236140). Invitae Evidence Modeling of protein sequence and biophysical properties (such as structural, functional, and spatial information, amino acid conservation, physicochemical variation, residue mobility, and thermodynamic stability) indicates that this missense variant is expected to disrupt ABCA4 protein function with a positive predictive value of 95%. This variant disrupts the p.Gly1961 amino acid residue in ABCA4. Other variant(s) that disrupt this residue have been determined to be pathogenic (PMID: 19074458, 28181551, 28559085, 30060493). This suggests that this residue is clinically significant, and that variants that disrupt this residue are likely to be disease-causing. For these reasons, this variant has been classified as Pathogenic.

Revvity Omics, Revvity
Classification: Likely pathogenic. Last evaluated: 2025-06-09. Review status: criteria provided, single submitter. Criteria: ACMG Guidelines, 2015. Collection method: clinical testing. Allele origin: germline.

Blueprint Genetics
Classification: Likely pathogenic for ABCA4-related disorders. Last evaluated: 2024-07-02. Review status: criteria provided, single submitter. Criteria: ACMG Guidelines, 2015. Collection method: clinical testing. Allele origin: germline. Affected: yes. Observed: 5 variant alleles.

GeneDx
Classification: Likely pathogenic. Last evaluated: 2020-10-20. Review status: criteria provided, single submitter. Criteria: GeneDx Variant Classification Process June 2021. Collection method: clinical testing. Allele origin: germline. Affected: yes.
Comment: In silico analysis supports that this missense variant has a deleterious effect on protein structure/function; This variant is associated with the following publications: (PMID: 25525159, 23755871, 32090030, 33090715, 26780318, 31589614, 28118664, 19074458)

Illumina Laboratory Services, Illumina
Classification: Likely pathogenic for ABCA4-Related Disorders. Last evaluated: 2018-10-24. Review status: criteria provided, single submitter. Criteria: ICSL Variant Classification Criteria 09 May 2019. Collection method: clinical testing. Allele origin: germline.
Comment: The ABCA4 c.5881G>A (p.Gly1961Arg) missense variant has been reported in three studies in which it is found in a total of three individuals with Stargardt disease in a compound heterozygous state, in two with a frameshift variant on the second allele and in one with a missense variant on the second allele (Cideciyan et al. 2009; Riveiro-Alvarez et al. 2013; Jiang et al. 2016). The variant has not been reported in the literature in any other conditions potentially associated with variants in the ABCA4 gene. The p.Gly1961Arg variant was absent from 100 control individuals, but is reported at a frequency of 0.00024 in the South Asian population of the Exome Aggregation Consortium. Based on the evidence, the p.Gly1961Arg variant is classified as likely pathogenic for Stargardt disease. This variant was observed by ICSL as part of a predisposition screen in an ostensibly healthy population.

Institute of Human Genetics, Univ. Regensburg, Univ. Regensburg
Classification: Likely pathogenic for Severe early-childhood-onset retinal dystrophy. Last evaluated: 2016-01-01. Review status: criteria provided, single submitter. Criteria: Schulz et al. (Invest Ophthalmol Vis Sci. 2017). Collection method: clinical testing. Allele origin: germline. Affected: yes. Observed: 1 homozygote.

Institute of Human Genetics, Univ. Regensburg, Univ. Regensburg
Classification: Likely pathogenic for Retinal dystrophy. Last evaluated: 2015-01-01. Review status: criteria provided, single submitter. Criteria: ACMG Guidelines, 2015. Collection method: clinical testing. Allele origin: germline. Affected: yes.

Juno Genomics, Hangzhou Juno Genomics, Inc
Classification: Likely pathogenic for Retinitis pigmentosa 19; Severe early-childhood-onset retinal dystrophy; Age related macular degeneration 2; Cone-rod dystrophy 3. Review status: criteria provided, single submitter. Criteria: ACMG Guidelines, 2015. Collection method: clinical testing. Allele origin: germline.
Comment: Absent from controls (or at extremely low frequency if recessive) in Genome Aggregation Database.;Multiple lines of computational evidence support a deleterious effect on the gene or gene product.;For recessive disorders, detected in trans with a pathogenic variant.;Patient's phenotype or family history is highly specific for a disease with a single genetic etiology.;Novel missense change at an amino acid residue where a different missense change determined to be pathogenic has been seen before.

Literature cited by the submitters: PubMed 19074458 (cited by Labcorp Genetics (formerly Invitae), Labcorp and Illumina Laboratory Services, Illumina); PubMed 23755871 (cited by 3 submitters); PubMed 26780318 (cited by 3 submitters); PubMed 28118664 (cited by Labcorp Genetics (formerly Invitae), Labcorp); PubMed 28181551 (cited by Labcorp Genetics (formerly Invitae), Labcorp); PubMed 28559085 (cited by Labcorp Genetics (formerly Invitae), Labcorp); PubMed 30060493 (cited by Labcorp Genetics (formerly Invitae), Labcorp); PubMed 25525159 (cited by Institute of Human Genetics, Univ. Regensburg, Univ. Regensburg); PubMed 31589614 (cited by Institute of Human Genetics, Univ. Regensburg, Univ. Regensburg); PubMed 31964843 (cited by Institute of Human Genetics, Univ. Regensburg, Univ. Regensburg); PubMed 32090030 (cited by Institute of Human Genetics, Univ. Regensburg, Univ. Regensburg); PubMed 33090715 (cited by Institute of Human Genetics, Univ. Regensburg, Univ. Regensburg); PubMed 33946315 (cited by Institute of Human Genetics, Univ. Regensburg, Univ. Regensburg); PubMed 35194496 (cited by Institute of Human Genetics, Univ. Regensburg, Univ. Regensburg); PubMed 35119454 (cited by Institute of Human Genetics, Univ. Regensburg, Univ. Regensburg).

NM_000350.3(ABCA4):c.5881G>A (p.Gly1961Arg)

Gene: ABCA4 (ATP binding cassette subfamily A member 4; minus strand). Cytogenetic location: 1p22.1.
Variant type: single nucleotide variant.
Coding change: c.5881G>A on transcript NM_000350.3 (MANE Select); coding-DNA position 5881, G replaced by A.
Protein change: p.Gly1961Arg; replaces glycine 1961 with arginine.
Molecular consequence: missense variant.
Genome position (GRCh38, 1-based): chr1:94,008,252, C>T on the plus strand (G>A on the coding strand, the complement: ABCA4 is on the minus strand). VCF-style: chr1-94008252-C-T. GRCh37 (hg19) VCF-style: chr1-94473808-C-T.
Other names: c.5659G>A, p.Gly1887Arg (NM_001425324.1); short protein forms G1961R, G1887R.
Identifiers: ClinVar variation 236140 (VCV000236140.21), dbSNP rs142253670, ClinGen allele CA957094.
Genomic context (GRCh38, chr1:94,008,252, plus strand): 5'-TGATGTTCGGAAGCCTTTCACACGTGGTCTGCAGAGTACCCACCTCTCCAGGGCGAACTC[C>T]GACACACAGCCTGTCCACTGCTGGGCTGGAGGTGCCTGGATAAATCTGCAAGATACGAAG-3'
Protein context (NP_000341.2, residues 1951-1971): SSPAVDRLCV[Gly1961Arg]VRPGECFGLL